The following is an entry in ClinVar:

NM_004991.4(MECOM):c.3314T>C (p.Val1105Ala)

Gene: MECOM (MDS1 and EVI1 complex locus; minus strand). Cytogenetic location: 3q26.2.
Variant type: single nucleotide variant.
Coding change: c.3314T>C on transcript NM_004991.4 (MANE Select); coding-DNA position 3314, T replaced by C.
Protein change: p.Val1105Ala; replaces valine 1105 with alanine.
Molecular consequence: missense variant.
Genome position (GRCh38, 1-based): chr3:169,090,087, A>G on the plus strand (T>C on the coding strand, the complement: MECOM is on the minus strand). VCF-style: chr3-169090087-A-G. GRCh37 (hg19) VCF-style: chr3-168807875-A-G.
Other names: c.2945T>C, p.Val982Ala (NM_001105077.4); c.2750T>C, p.Val917Ala (NM_001105078.4, NM_001205194.2, NM_001366469.2 and 1 more transcripts); c.2726T>C, p.Val909Ala (NM_001163999.2, NM_001366470.2); c.2723T>C, p.Val908Ala (NM_001164000.2, NM_001366471.2, NM_001366472.2); c.3287T>C, p.Val1096Ala (NM_001366466.2); c.2753T>C, p.Val918Ala (NM_001366467.2, NM_001366468.2); c.2315T>C, p.Val772Ala (NM_001366473.2); c.1751T>C, p.Val584Ala (NM_001366474.2); and 1 more; short protein forms V1105A, V917A, V584A, V918A, V909A, V1096A, V982A, V772A.
Identifiers: ClinVar variation 91962 (VCV000091962.3), dbSNP rs386352330, ClinGen allele CA232250.
Genomic context (GRCh38, chr3:169,090,087, plus strand): 5'-TCCAGGGCACTGGTTTCTTCATAGTCATCCTCAGGGTTTCCTTCATGTAAATTACTTGTC[A>G]CTGGTTCCTTTCCTGTTTTTCCAGTAATATCATTGTCTTCATCCTCCTCATCTAACAACA-3'
Protein context (NP_004982.2, residues 1095-1115): DITGKTGKEP[Val1105Ala]TSNLHEGNPE

ClinVar aggregate classification (germline): Uncertain significance. Review status: criteria provided, single submitter (1 of 4 stars). 2 submissions from 2 submitters: Uncertain significance (1). 1 of the submissions does not count toward it. Last evaluated 2024-12-19.

Conditions:
Inborn genetic diseases. Identifiers: MedGen C0950123, MeSH D030342.

Allele frequency attached by ClinVar (database versions not stated): gnomAD exomes below 0.00001.
gnomAD v4.1: 1 of 1,613,576 alleles (0.000062%); highest among the groups gnomAD compares: Admixed American, 0.0017%; no homozygotes.

Submissions (2):

Ambry Genetics
Classification: Uncertain significance for Inborn genetic diseases. Last evaluated: 2024-12-19. Review status: criteria provided, single submitter. Criteria: Ambry Variant Classification Scheme 2023. Collection method: clinical testing. Allele origin: germline.
Comment: The p.V1105A variant (also known as c.3314T>C), located in coding exon 15 of the MECOM gene, results from a T to C substitution at nucleotide position 3314. The valine at codon 1105 is replaced by alanine, an amino acid with similar properties. This amino acid position is conserved. In addition, this alteration is predicted to be tolerated by in silico analysis. Based on the available evidence, the clinical significance of this variant remains unclear.

Richard Lifton Laboratory, Yale University School of Medicine
Classification: Uncertain significance. Review status: no assertion criteria provided. Collection method: not provided. Allele origin: somatic. Not counted in ClinVar's aggregate classification.
Comment: MECOM
ClinVar note: Converted during submission from unknown to Uncertain significance.